The following is an entry in ClinVar:

ClinVar aggregate classification (germline): Likely benign. Review status: criteria provided, multiple submitters, no conflicts (2 of 4 stars). 2 submissions from 2 submitters: Likely benign (2). Last evaluated 2024-02-01.

Allele frequency attached by ClinVar (database versions not stated): gnomAD exomes below 0.00001; TOPMed below 0.00001; ExAC 0.00001; gnomAD 0.00001; ESP Exome Variant Server 0.00008.
gnomAD v4.1: 7 of 1,614,030 alleles (0.00043%); highest among the groups gnomAD compares: Non-Finnish European, 0.00051%; no homozygotes.

Submissions (2):

Labcorp Genetics (formerly Invitae), Labcorp
Classification: Likely benign. Last evaluated: 2024-02-01. Review status: criteria provided, single submitter. Criteria: Invitae Variant Classification Sherloc (09022015). Collection method: clinical testing. Allele origin: germline.

CeGaT Center for Human Genetics Tuebingen
Classification: Likely benign. Last evaluated: 2022-07-01. Review status: criteria provided, single submitter. Criteria: CeGaT Center For Human Genetics Tuebingen Variant Classification Criteria Version 2. Collection method: clinical testing. Allele origin: germline. Affected: yes. Observed: 1 variant allele.
Comment: TULP1: BP4

NM_003322.6(TULP1):c.1365G>A (p.Leu455=)

Gene: TULP1 (TUB like protein 1; minus strand). Cytogenetic location: 6p21.31.
Variant type: single nucleotide variant.
Coding change: c.1365G>A on transcript NM_003322.6 (MANE Select); coding-DNA position 1365, G replaced by A.
Protein change: p.Leu455=; no amino-acid change (leucine 455 retained).
Molecular consequence: synonymous variant.
Genome position (GRCh38, 1-based): chr6:35,500,111, C>T on the plus strand (G>A on the coding strand, the complement: TULP1 is on the minus strand). VCF-style: chr6-35500111-C-T. GRCh37 (hg19) VCF-style: chr6-35467888-C-T.
Other names: c.1206G>A, p.Leu402= (NM_001289395.2).
Identifiers: ClinVar variation 1701501 (VCV001701501.36), dbSNP rs370691307, ClinGen allele CA3772563.